The following is an entry in ClinVar:

ClinVar aggregate classification (germline): Pathogenic (1 of 4 stars; one submission).

Conditions:
Osteogenesis imperfecta type I (OI1). Also called: Classic Non-deforming Osteogenesis Imperfecta with Blue Sclerae; OI, TYPE I; OSTEOGENESIS IMPERFECTA TARDA; OSTEOGENESIS IMPERFECTA WITH BLUE SCLERAE; Osteogenesis imperfecta type 1; Lobstein's Disease. Identifiers: Orphanet 216796, Orphanet 666, MedGen C0023931, MONDO:0008146, OMIM 166200. Disease mechanism: loss of function.

Submission:

Labcorp Genetics (formerly Invitae), Labcorp
Classification: Pathogenic for Osteogenesis imperfecta type I. Last evaluated: 2025-07-21. Review status: criteria provided, single submitter. Criteria: Invitae Variant Classification Sherloc (09022015). Collection method: clinical testing. Allele origin: germline.
Comment: This sequence change creates a premature translational stop signal (p.Gly485Trpfs*8) in the COL1A1 gene. It is expected to result in an absent or disrupted protein product. Loss-of-function variants in COL1A1 are known to be pathogenic (PMID: 7942841, 9295084, 9443882). This variant is not present in population databases (gnomAD no frequency). This variant has not been reported in the literature in individuals affected with COL1A1-related conditions. ClinVar contains an entry for this variant (Variation ID: 2768815). For these reasons, this variant has been classified as Pathogenic.

Literature cited by the submitters: PubMed 7942841; PubMed 9295084; PubMed 9443882.

NM_000088.4(COL1A1):c.1451dup (p.Gly485fs)

Gene: COL1A1 (collagen type I alpha 1 chain; minus strand). Cytogenetic location: 17q21.33.
Variant type: Duplication.
Coding change: c.1451dup on transcript NM_000088.4 (MANE Select); coding-DNA position 1451, one base duplicated (C; older notation c.1451dupC).
Protein change: p.Gly485fs; shifts the reading frame from glycine 485.
Molecular consequence: frameshift variant.
Genome position (GRCh38, 1-based): chr17:50,194,731, G duplicated on the plus strand (C on the coding strand, the reverse complement: COL1A1 is on the minus strand); the first of 5 consecutive G bases (chr17:50,194,731-50,194,735); duplicating any one gives the same sequence. VCF-style (leftmost placement, unchanged base first): chr17-50194730-A-AG. GRCh37 (hg19) VCF-style: chr17-48272091-A-AG.
Other names: short protein forms G485fs.
Identifiers: ClinVar variation 2768815 (VCV002768815.3), dbSNP rs2144572928, ClinGen allele CA2697560408.